The following is an entry in ClinVar:

NM_021930.6(RINT1):c.2341_2344dup (p.Asn782delinsThrTer)

Genes: EFCAB10 (EF-hand calcium binding domain 10; minus strand), RINT1 (RAD50 interactor 1; plus strand). Cytogenetic location: 7q22.3.
Variant type: Duplication.
Coding change: c.2341_2344dup on transcript NM_021930.6 (MANE Select); coding-DNA positions 2341 to 2344, 4 bases duplicated (CTTA; older notation c.2341_2344dupCTTA).
Protein change: p.Asn782delinsThrTer.
Molecular consequence: nonsense. On other transcripts: 3 prime UTR variant (2), non-coding transcript variant (1), intron variant (3).
Genome position (GRCh38, 1-based): chr7:105,567,273-105,567,276, CTTA duplicated; duplicating any 4 consecutive bases within chr7:105,567,271-105,567,276 gives the same sequence; the c. name uses the placement nearest the transcript's 3' end. VCF-style (leftmost placement, unchanged base first): chr7-105567270-C-CTACT. GRCh37 (hg19) VCF-style: chr7-105207717-C-CTACT.
Other names: c.*180_*183dup (NM_001355527.2, NM_001355529.2); c.2107_2110dup, p.Asn704delinsThrTer (NM_001346599.2); c.1318_1321dup, p.Asn441delinsThrTer (NM_001346600.2, NM_001346603.2); c.1417_1420dup, p.Asn474delinsThrTer (NM_001346601.2); c.360-1827_360-1824dup (NM_001355531.2); c.383+193_383+196dup (NM_001355526.2, NM_001355530.2).
Identifiers: ClinVar variation 1789867 (VCV001789867.3), dbSNP rs2485204008, ClinGen allele CA2580076152.

ClinVar aggregate classification (germline): Uncertain significance (1 of 4 stars; one submission).

Submission:

Ambry Genetics
Classification: Uncertain significance. Last evaluated: 2026-08-28. Review status: criteria provided, single submitter. Criteria: Ambry Variant Classification Scheme 2023. Collection method: clinical testing. Allele origin: germline.
Comment: The c.2341_2344dupCTTA variant, located in coding exon 15 of the RINT1 gene, results from a duplication of CTTA at nucleotide position 2341, causing a translational frameshift with a predicted alternate stop codon (p.N782Tfs*2). This variant occurs at the 3' terminus of the gene and is not expected to trigger nonsense-mediated mRNA decay. The evidence for this gene-disease relationship is limited; therefore, the clinical significance of this variant is unclear.